The following is an entry in ClinVar:

NM_201384.3(PLEC):c.1410G>A (p.Met470Ile)

Gene: PLEC (plectin; minus strand). Cytogenetic location: 8q24.3.
Variant type: single nucleotide variant.
Coding change: c.1410G>A on transcript NM_201384.3 (MANE Select); coding-DNA position 1410, G replaced by A.
Protein change: p.Met470Ile; replaces methionine 470 with isoleucine.
Molecular consequence: missense variant.
Genome position (GRCh38, 1-based): chr8:143,933,205, C>T on the plus strand (G>A on the coding strand, the complement: PLEC is on the minus strand). VCF-style: chr8-143933205-C-T. GRCh37 (hg19) VCF-style: chr8-145007373-C-T.
Other names: c.1491G>A, p.Met497Ile (NM_000445.5, NM_001410941.1); c.1368G>A, p.Met456Ile (NM_201378.4); c.1344G>A, p.Met448Ile (NM_201379.3); c.1821G>A, p.Met607Ile (NM_201380.4); c.1314G>A, p.Met438Ile (NM_201381.3); c.1410G>A, p.Met470Ile (NM_201382.4); c.1422G>A, p.Met474Ile (NM_201383.3); short protein forms M456I, M497I, M438I, M448I, M474I, M470I, M607I.
Identifiers: ClinVar variation 2179952 (VCV002179952.4), dbSNP rs782251571, ClinGen allele CA4927986.
Genomic context (GRCh38, chr8:143,933,205, plus strand): 5'-GGGCCTGGGGCCGTGTGTACCTGGGCTTCAGGGAGGGCAGGGCGGGGCCCACCTGCGGTA[C>T]ATCTGCTCGCCCTGCGGGTGCCGTCCATCCTTGAGGGTCTGCACGTCGTTGAAGAGCAGC-3'
Protein context (NP_958786.1, residues 460-480): KDGRHPQGEQ[Met470Ile]YRRVYRLHER

ClinVar aggregate classification (germline): Uncertain significance (1 of 4 stars; one submission).

Conditions:
Epidermolysis bullosa simplex 5B, with muscular dystrophy (EBS5B). Also called: EPIDERMOLYSIS BULLOSA SIMPLEX AND LIMB-GIRDLE MUSCULAR DYSTROPHY; Epidermolysis bullosa simplex with muscular dystrophy. Identifiers: Orphanet 257, MedGen C2931072, MONDO:0009181, OMIM 226670.
Autosomal recessive limb-girdle muscular dystrophy type 2Q (LGMDR17). Also called: MUSCULAR DYSTROPHY, LIMB-GIRDLE, AUTOSOMAL RECESSIVE 17. Identifiers: Orphanet 254361, MedGen C3150989, MONDO:0013390, OMIM 613723.
Epidermolysis bullosa simplex, Ogna type (EBS5A). Also called: Pidermolysis bullosa simplex 5A, Ogna type; EPIDERMOLYSIS BULLOSA SIMPLEX 5A, OGNA TYPE. Identifiers: Orphanet 79401, MedGen C0432317, MONDO:0007555, OMIM 131950.
Epidermolysis bullosa simplex 5C, with pyloric atresia (EBS5C). Also called: PLEC-Related Epidermolysis Bullosa with Pyloric Atresia; Epidermolysis bullosa simplex with pyloric atresia; PLEC1-Related Epidermolysis Bullosa with Pyloric Atresia. Identifiers: Orphanet 158684, MedGen C2677349, MONDO:0012807, OMIM 612138.
Epidermolysis bullosa simplex with nail dystrophy (EBS5D). Identifiers: MedGen C4225309, MONDO:0014661, OMIM 616487.

Allele frequency attached by ClinVar (database versions not stated): ExAC 0.00001; gnomAD exomes 0.00001.
gnomAD v4.1: 7 of 1,612,678 alleles (0.00043%); highest among the groups gnomAD compares: South Asian, 0.0011%; no homozygotes.

Submission:

Labcorp Genetics (formerly Invitae), Labcorp
Classification: Uncertain significance for Autosomal recessive limb-girdle muscular dystrophy type 2Q; Epidermolysis bullosa simplex, Ogna type; Epidermolysis bullosa simplex with nail dystrophy; Epidermolysis bullosa simplex 5C, with pyloric atresia; Epidermolysis bullosa simplex 5B, with muscular dystrophy. Last evaluated: 2026-01-02. Review status: criteria provided, single submitter. Criteria: Invitae Variant Classification Sherloc (09022015). Collection method: clinical testing. Allele origin: germline.
Comment: This sequence change replaces methionine, which is neutral and non-polar, with isoleucine, which is neutral and non-polar, at codon 497 of the PLEC protein (p.Met497Ile). This variant is present in population databases (rs782251571, gnomAD 0.0009%). This variant has not been reported in the literature in individuals affected with PLEC-related conditions. ClinVar contains an entry for this variant (Variation ID: 2179952). Experimental studies and prediction algorithms are not available or were not evaluated, and the functional significance of this variant is currently unknown. In summary, the available evidence is currently insufficient to determine the role of this variant in disease. Therefore, it has been classified as a Variant of Uncertain Significance.